The following is an entry in ClinVar:

ClinVar aggregate classification (germline): Uncertain significance (1 of 4 stars; one submission).

Submission:

Labcorp Genetics (formerly Invitae), Labcorp
Classification: Uncertain significance. Last evaluated: 2025-05-18. Review status: criteria provided, single submitter. Criteria: Invitae Variant Classification Sherloc (09022015). Collection method: clinical testing. Allele origin: germline.
Comment: This sequence change replaces valine, which is neutral and non-polar, with phenylalanine, which is neutral and non-polar, at codon 655 of the HK1 protein (p.Val655Phe). This variant is not present in population databases (gnomAD no frequency). This variant has not been reported in the literature in individuals affected with HK1-related conditions. Invitae Evidence Modeling of protein sequence and biophysical properties (such as structural, functional, and spatial information, amino acid conservation, physicochemical variation, residue mobility, and thermodynamic stability) has been performed for this missense variant. However, the output from this modeling did not meet the statistical confidence thresholds required to predict the impact of this variant on HK1 protein function. In summary, the available evidence is currently insufficient to determine the role of this variant in disease. Therefore, it has been classified as a Variant of Uncertain Significance.

NM_000188.3(HK1):c.1963G>T (p.Val655Phe)

Gene: HK1 (hexokinase 1; plus strand). Cytogenetic location: 10q22.1.
Variant type: single nucleotide variant.
Coding change: c.1963G>T on transcript NM_000188.3 (MANE Select); coding-DNA position 1963, G replaced by T.
Protein change: p.Val655Phe; replaces valine 655 with phenylalanine.
Molecular consequence: missense variant. On other transcripts: non-coding transcript variant (1).
Genome position (GRCh38, 1-based): chr10:69,389,224, G>T. VCF-style: chr10-69389224-G-T. GRCh37 (hg19) VCF-style: chr10-71148980-G-T.
Other names: c.1975G>T, p.Val659Phe (NM_001322364.2, NM_001358263.1, NM_033497.3 and 1 more transcripts); c.2068G>T, p.Val690Phe (NM_001322365.2); c.1879G>T, p.Val627Phe (NM_001322366.1, NM_001441143.1); c.1867G>T, p.Val623Phe (NM_001322367.1); c.1960G>T, p.Val654Phe (NM_001441139.1, NM_033496.3); c.1954G>T, p.Val652Phe (NM_001441140.1); c.1963G>T, p.Val655Phe (NM_001441141.1, NM_001441146.1, NM_001441148.1); c.1921G>T, p.Val641Phe (NM_001441142.1); and 8 more; short protein forms V442F, V533F, V655F, V319F, V525F, V581F, V627F, V641F.
Identifiers: ClinVar variation 4741615 (VCV004741615.1).
Genomic context (GRCh38, chr10:69,389,224, plus strand): 5'-TATTCCTAAAGCTGTGTCCCTTTCTTTGCAAAGGAATTTGACCTGGACGTGGTGGCTGTG[G>T]TCAACGACACAGTGGGCACCATGATGACCTGTGCTTATGAGGAGCCCACCTGTGAGGTTG-3'
Protein context (NP_000179.2, residues 645-665): EEFDLDVVAV[Val655Phe]NDTVGTMMTC